The following is an entry in ClinVar:

ClinVar aggregate classification (germline): Pathogenic (1 of 4 stars; one submission).

Conditions:
Hereditary angioedema type 1 (HAE1). Identifiers: Orphanet 100050, Orphanet 100051, Orphanet 91378, MedGen C2717906, MONDO:0015053, OMIM 106100.

Submission:

DNA-diagnostics Laboratory, Research Centre For Medical Genetics
Classification: Pathogenic for Hereditary angioedema type 1. Last evaluated: 2024-06-01. Review status: criteria provided, single submitter. Criteria: ACMG Guidelines, 2015. Collection method: research. Allele origin: germline. Inheritance: Autosomal dominant inheritance. Affected: yes. Observed: 2 variant alleles, 2 heterozygotes.
Comment: The c.1337_1341delTGCTG variant in SERPING1 meets ACMG/ClinGen SVI guidance criteria to be classified as pathogenic: PVS1_Str, PP4_Str, PM2_Sup

NM_000062.3(SERPING1):c.1337_1341del (p.Val446fs)

Gene: SERPING1 (serpin family G member 1; plus strand). Cytogenetic location: 11q12.1.
Variant type: Deletion.
Coding change: c.1337_1341del on transcript NM_000062.3 (MANE Select); coding-DNA positions 1337 to 1341, 5 bases deleted (TGCTG; older notation c.1337_1341delTGCTG).
Protein change: p.Val446fs; shifts the reading frame from valine 446.
Molecular consequence: frameshift variant.
Genome position (GRCh38, 1-based): chr11:57,614,415-57,614,419, TGCTG deleted; deleting any 5 consecutive bases within chr11:57,614,414-57,614,419 gives the same sequence; the c. name uses the placement nearest the transcript's 3' end. VCF-style (leftmost placement, unchanged base first): chr11-57614413-AGTGCT-A. GRCh37 (hg19) VCF-style: chr11-57381886-AGTGCT-A.
Other names: c.1337_1341del, p.Val446fs (NM_001032295.2); c.1337_1341delTGCTG (NM_000062.3); short protein forms V446fs.
Identifiers: ClinVar variation 3242531 (VCV003242531.2), dbSNP rs2495458071.